The following is an entry in ClinVar:

ClinVar aggregate classification (germline): Uncertain significance (1 of 4 stars; one submission).

Conditions:
Developmental and epileptic encephalopathy, 23 (DEE23). Also called: Epileptic encephalopathy, early infantile, 23. Identifiers: Orphanet 411986, MedGen C4014492, MONDO:0014371, OMIM 615859.

gnomAD v4.1: 1 of 1,612,882 alleles (0.000062%); highest among the groups gnomAD compares: Middle Eastern, 0.017%; no homozygotes.

Submission:

Labcorp Genetics (formerly Invitae), Labcorp
Classification: Uncertain significance for Developmental and epileptic encephalopathy, 23. Last evaluated: 2022-02-18. Review status: criteria provided, single submitter. Criteria: Invitae Variant Classification Sherloc (09022015). Collection method: clinical testing. Allele origin: germline.
Comment: This sequence change replaces isoleucine, which is neutral and non-polar, with leucine, which is neutral and non-polar, at codon 183 of the DOCK7 protein (p.Ile183Leu). This variant is not present in population databases (gnomAD no frequency). This variant has not been reported in the literature in individuals affected with DOCK7-related conditions. Algorithms developed to predict the effect of missense changes on protein structure and function (SIFT, PolyPhen-2, Align-GVGD) all suggest that this variant is likely to be tolerated. In summary, the available evidence is currently insufficient to determine the role of this variant in disease. Therefore, it has been classified as a Variant of Uncertain Significance.

NM_001367561.1(DOCK7):c.547A>C (p.Ile183Leu)

Gene: DOCK7 (dedicator of cytokinesis 7; minus strand). Cytogenetic location: 1p31.3.
Variant type: single nucleotide variant.
Coding change: c.547A>C on transcript NM_001367561.1 (MANE Select); coding-DNA position 547, A replaced by C.
Protein change: p.Ile183Leu; replaces isoleucine 183 with leucine.
Molecular consequence: missense variant.
Genome position (GRCh38, 1-based): chr1:62,648,291, T>G on the plus strand (A>C on the coding strand, the complement: DOCK7 is on the minus strand). VCF-style: chr1-62648291-T-G. GRCh37 (hg19) VCF-style: chr1-63113962-T-G.
Other names: c.547A>C, p.Ile183Leu (NM_001271999.2, NM_001272000.2, NM_001272001.2 and 3 more transcripts); short protein forms I183L.
Identifiers: ClinVar variation 2099027 (VCV002099027.4), dbSNP rs2523276783, ClinGen allele CA340628014.
Genomic context (GRCh38, chr1:62,648,291, plus strand): 5'-GAAGTGAATTTTTCAAGTCAAAGATACTACAGGCCCAGCTACCCCTTGGGGTATCATCTA[T>G]TGACATTGAACGTCTTTTAAGGTCATCCTGTCATGCAAAACATTAAATATAAATATATTA-3'
Protein context (NP_001354490.1, residues 173-193): QDDLKRRSMS[Ile183Leu]DDTPRGSWAC